The following is an entry in ClinVar:

NM_001329943.3(KIAA0586):c.1414G>A (p.Val472Ile)

Gene: KIAA0586 (KIAA0586; plus strand). Cytogenetic location: 14q23.1.
Variant type: single nucleotide variant.
Coding change: c.1414G>A on transcript NM_001329943.3 (MANE Select); coding-DNA position 1414, G replaced by A.
Protein change: p.Val472Ile; replaces valine 472 with isoleucine.
Molecular consequence: missense variant.
Genome position (GRCh38, 1-based): chr14:58,457,810, G>A. VCF-style: chr14-58457810-G-A. GRCh37 (hg19) VCF-style: chr14-58924528-G-A.
Other names: c.1573G>A, p.Val525Ile (NM_001244189.2); c.1369G>A, p.Val457Ile (NM_001244190.2); c.1159G>A, p.Val387Ile (NM_001244191.2, NM_001329945.2, NM_001364700.1 and 1 more transcripts); c.1282G>A, p.Val428Ile (NM_001244192.2); c.994G>A, p.Val332Ile (NM_001244193.2); c.1414G>A, p.Val472Ile (NM_001329944.2, NM_001329946.2, NM_001329947.2 and 1 more transcripts); c.1414G>A (NM_014749.3); short protein forms V525I, V472I, V457I, V332I, V387I, V428I.
Identifiers: ClinVar variation 1390020 (VCV001390020.6), dbSNP rs779792778, ClinGen allele CA7205655.
Genomic context (GRCh38, chr14:58,457,810, plus strand): 5'-TCTTTTAAGCCAAAAGAATCTCTGAGTATGTTGAAGCTTCCAGATCTTCCACAGAATTCT[G>A]TTAAGCTTCAAACAACCAATACAACAAGATCTGTATTGAAAGATGCTGAGAAGATTTTGA-3'
Protein context (NP_001316872.1, residues 462-482): LKLPDLPQNS[Val472Ile]KLQTTNTTRS

ClinVar aggregate classification (germline): Conflicting classifications of pathogenicity. Review status: criteria provided, conflicting classifications (1 of 4 stars). 2 submissions from 2 submitters: Uncertain significance (1); Likely benign (1). Last evaluated 2025-01-29.

Conditions:
Inborn genetic diseases. Identifiers: MedGen C0950123, MeSH D030342.
Short-rib thoracic dysplasia 14 with polydactyly (SRTD14). Identifiers: Orphanet 397715, MedGen C4225286, MONDO:0014688, OMIM 616546.
Joubert syndrome 23 (JBTS23). Identifiers: Orphanet 475, MedGen C4084822, MONDO:0014664, OMIM 616490.

Allele frequency attached by ClinVar (database versions not stated): gnomAD 0.00001; ExAC 0.00007; TOPMed 0.00003.
gnomAD v4.1: 41 of 1,607,856 alleles (0.0025%); highest among the groups gnomAD compares: African/African-American, 0.004%; no homozygotes.

Submissions (2):

Ambry Genetics
Classification: Likely benign for Inborn genetic diseases. Last evaluated: 2025-01-29. Review status: criteria provided, single submitter. Criteria: Ambry Variant Classification Scheme 2023. Collection method: clinical testing. Allele origin: germline.

Labcorp Genetics (formerly Invitae), Labcorp
Classification: Uncertain significance for Joubert syndrome 23; Short-rib thoracic dysplasia 14 with polydactyly. Last evaluated: 2022-08-09. Review status: criteria provided, single submitter. Criteria: Invitae Variant Classification Sherloc (09022015). Collection method: clinical testing. Allele origin: germline.
Comment: This sequence change replaces valine, which is neutral and non-polar, with isoleucine, which is neutral and non-polar, at codon 525 of the KIAA0586 protein (p.Val525Ile). The frequency data for this variant in the population databases is considered unreliable, as metrics indicate poor data quality at this position in the gnomAD database. This variant has not been reported in the literature in individuals affected with KIAA0586-related conditions. ClinVar contains an entry for this variant (Variation ID: 1390020). Algorithms developed to predict the effect of missense changes on protein structure and function output the following: SIFT: "Tolerated"; PolyPhen-2: "Benign"; Align-GVGD: "Class C0". The isoleucine amino acid residue is found in multiple mammalian species, which suggests that this missense change does not adversely affect protein function. In summary, the available evidence is currently insufficient to determine the role of this variant in disease. Therefore, it has been classified as a Variant of Uncertain Significance.